The following is an entry in ClinVar:

ClinVar aggregate classification (germline): Uncertain significance (1 of 4 stars; one submission).

Conditions:
Nephronophthisis 14 (NPHP14). Identifiers: Orphanet 2318, MedGen C3539071, MONDO:0013916, OMIM 614844.

Submission:

Labcorp Genetics (formerly Invitae), Labcorp
Classification: Uncertain significance for Nephronophthisis 14. Last evaluated: 2021-12-17. Review status: criteria provided, single submitter. Criteria: Invitae Variant Classification Sherloc (09022015). Collection method: clinical testing. Allele origin: germline.
Comment: In summary, the available evidence is currently insufficient to determine the role of this variant in disease. Therefore, it has been classified as a Variant of Uncertain Significance. Algorithms developed to predict the effect of missense changes on protein structure and function (SIFT, PolyPhen-2, Align-GVGD) all suggest that this variant is likely to be tolerated. This variant has not been reported in the literature in individuals affected with ZNF423-related conditions. This variant is not present in population databases (gnomAD no frequency). This sequence change replaces histidine, which is basic and polar, with aspartic acid, which is acidic and polar, at codon 88 of the ZNF423 protein (p.His88Asp).

NM_001379286.1(ZNF423):c.286C>G (p.His96Asp)

Gene: ZNF423 (zinc finger protein 423; minus strand). Cytogenetic location: 16q12.1.
Variant type: single nucleotide variant.
Coding change: c.286C>G on transcript NM_001379286.1 (MANE Select); coding-DNA position 286, C replaced by G.
Protein change: p.His96Asp; replaces histidine 96 with aspartic acid.
Molecular consequence: missense variant.
Genome position (GRCh38, 1-based): chr16:49,730,786, G>C on the plus strand (C>G on the coding strand, the complement: ZNF423 is on the minus strand). VCF-style: chr16-49730786-G-C. GRCh37 (hg19) VCF-style: chr16-49764697-G-C.
Other names: c.82C>G, p.His28Asp (NM_001271620.2); c.262C>G, p.His88Asp (NM_015069.5); short protein forms H96D, H88D, H28D.
Identifiers: ClinVar variation 2045482 (VCV002045482.4), dbSNP rs2506310882, ClinGen allele CA396110187.
Genomic context (GRCh38, chr16:49,730,786, plus strand): 5'-ACCCGTGTAACCACCTGTCAGAGTCCTGGGGCTGTTTTGCATTACCTCCAGGACAGCGGT[G>C]GGCCCGGTGGTCCGTCAGGTCTGCCAGAGACTCGAAGTCCTGCTGACAGTGATCGCAGGT-3'
Protein context (NP_001366215.1, residues 86-106): SLADLTDHRA[His96Asp]RCPGDGDDDP